The following is an entry in ClinVar:

ClinVar aggregate classification (germline): Conflicting classifications of pathogenicity. Review status: criteria provided, conflicting classifications (1 of 4 stars). 6 submissions from 4 submitters: Uncertain significance (3); Likely benign (3). Last evaluated 2026-01-12.

Conditions:
Autosomal dominant nonsyndromic hearing loss 11. Identifiers: Orphanet 90635, MedGen C1832475, MONDO:0011032, OMIM 601317.
Autosomal recessive nonsyndromic hearing loss 2. Also called: NEUROSENSORY NONSYNDROMIC RECESSIVE DEAFNESS 2; DEAFNESS, AUTOSOMAL RECESSIVE 2. Identifiers: Orphanet 90636, MedGen C1838701, MONDO:0010807, OMIM 600060.
Usher syndrome type 1 (USH1). Also called: RETINITIS PIGMENTOSA AND CONGENITAL DEAFNESS. Identifiers: Orphanet 231169, Orphanet 886, MedGen C1568247, MONDO:0010168, OMIM 276900.

Allele frequency attached by ClinVar (database versions not stated): gnomAD exomes 0.00007 and 0.00008; TOPMed 0.00007; ESP Exome Variant Server 0.00008; gnomAD 0.00010; ExAC 0.00013.
gnomAD v4.1: 122 of 1,600,074 alleles (0.0076%); highest among the groups gnomAD compares: Admixed American, 0.019%; no homozygotes.

Submissions (6):

Labcorp Genetics (formerly Invitae), Labcorp
Classification: Likely benign. Last evaluated: 2026-01-12. Review status: criteria provided, single submitter. Criteria: Invitae Variant Classification Sherloc (09022015). Collection method: clinical testing. Allele origin: germline.

Blueprint Genetics
Classification: Likely benign. Last evaluated: 2024-05-10. Review status: criteria provided, single submitter. Criteria: ACMG Guidelines, 2015. Collection method: clinical testing. Allele origin: germline.

Illumina Laboratory Services, Illumina
Classification: Uncertain significance for Autosomal dominant nonsyndromic hearing loss 11. Last evaluated: 2018-01-13. Review status: criteria provided, single submitter. Criteria: ICSL Variant Classification Criteria 13 December 2019. Collection method: clinical testing. Allele origin: germline.

Illumina Laboratory Services, Illumina
Classification: Uncertain significance for Autosomal recessive nonsyndromic hearing loss 2. Last evaluated: 2018-01-13. Review status: criteria provided, single submitter. Criteria: ICSL Variant Classification Criteria 13 December 2019. Collection method: clinical testing. Allele origin: germline.

Illumina Laboratory Services, Illumina
Classification: Uncertain significance for Usher syndrome type 1. Last evaluated: 2018-01-13. Review status: criteria provided, single submitter. Criteria: ICSL Variant Classification Criteria 13 December 2019. Collection method: clinical testing. Allele origin: germline.

Laboratory for Molecular Medicine, Mass General Brigham Personalized Medicine
Classification: Likely benign. Last evaluated: 2012-04-30. Review status: criteria provided, single submitter. Criteria: LMM Criteria. Collection method: clinical testing. Allele origin: germline. Observed: 1 variant allele.
Comment: Ser1791Ser in Exon 39 of MYO7A: This variant is not expected to have clinical si gnificance because it does not alter an amino acid residue, is not located withi n the splice consensus sequence, and has been identified in 1/6820 European Amer ican chromosomes from a broad population by the NHLBI Exome Sequencing Project.

NM_000260.4(MYO7A):c.5373C>T (p.Ser1791=)

Gene: MYO7A (myosin VIIA; plus strand). Cytogenetic location: 11q13.5.
Variant type: single nucleotide variant.
Coding change: c.5373C>T on transcript NM_000260.4 (MANE Select); coding-DNA position 5373, C replaced by T.
Protein change: p.Ser1791=; no amino-acid change (serine 1791 retained).
Molecular consequence: synonymous variant.
Genome position (GRCh38, 1-based): chr11:77,204,122, C>T. VCF-style: chr11-77204122-C-T. GRCh37 (hg19) VCF-style: chr11-76915167-C-T.
Other names: c.5259C>T, p.Ser1753= (NM_001127180.2); c.5226C>T, p.Ser1742= (NM_001369365.1).
Identifiers: ClinVar variation 178492 (VCV000178492.19), dbSNP rs376301325, ClinGen allele CA182432.